The following is an entry in ClinVar:

NM_000539.3(RHO):c.299A>C (p.His100Pro)

Gene: RHO (rhodopsin; plus strand). Cytogenetic location: 3q22.1.
Variant type: single nucleotide variant.
Coding change: c.299A>C on transcript NM_000539.3 (MANE Select); coding-DNA position 299, A replaced by C.
Protein change: p.His100Pro; replaces histidine 100 with proline.
Molecular consequence: missense variant.
Genome position (GRCh38, 1-based): chr3:129,529,032, A>C. VCF-style: chr3-129529032-A-C. GRCh37 (hg19) VCF-style: chr3-129247875-A-C.
Other names: short protein forms H100P.
Identifiers: ClinVar variation 2694104 (VCV002694104.3), dbSNP rs143735182, ClinGen allele CA354496779.

ClinVar aggregate classification (germline): Uncertain significance (1 of 4 stars; one submission).

Submission:

Labcorp Genetics (formerly Invitae), Labcorp
Classification: Uncertain significance. Last evaluated: 2023-11-13. Review status: criteria provided, single submitter. Criteria: Invitae Variant Classification Sherloc (09022015). Collection method: clinical testing. Allele origin: germline.
Comment: This sequence change replaces histidine, which is basic and polar, with proline, which is neutral and non-polar, at codon 100 of the RHO protein (p.His100Pro). This variant is not present in population databases (gnomAD no frequency). This missense change has been observed in individual(s) with clinical features of RHO-related conditions (Invitae). Advanced modeling of protein sequence and biophysical properties (such as structural, functional, and spatial information, amino acid conservation, physicochemical variation, residue mobility, and thermodynamic stability) has been performed at Invitae for this missense variant, however the output from this modeling did not meet the statistical confidence thresholds required to predict the impact of this variant on RHO protein function. In summary, the available evidence is currently insufficient to determine the role of this variant in disease. Therefore, it has been classified as a Variant of Uncertain Significance.